The following is an entry in ClinVar:

NM_139058.3(ARX):c.441_464dup (p.Ala148_Ala155dup)

Genes: ARX (aristaless related homeobox; minus strand), LOC109610631 (aristaless related homeobox polyalanine expansion region; plus strand). Cytogenetic location: Xp21.3.
Variant type: Duplication.
Coding change: c.441_464dup on transcript NM_139058.3 (MANE Select); coding-DNA positions 441 to 464, 24 bases duplicated (AGCCGCGGCCGCGGCCGCCGCGGC).
Protein change: p.Ala148_Ala155dup.
Molecular consequence: inframe insertion.
Genome position (GRCh38, 1-based): chrX:25,013,531-25,013,554, GCCGCGGCGGCCGCGGCCGCGGCT duplicated on the plus strand (AGCCGCGGCCGCGGCCGCCGCGGC on the coding strand, the reverse complement: ARX is on the minus strand); duplicating any 24 consecutive bases within chrX:25,013,531-25,013,566 gives the same sequence; the c. name uses the placement nearest the transcript's 3' end. VCF-style (leftmost placement, unchanged base first): chrX-25013530-G-GGCCGCGGCGGCCGCGGCCGCGGCT. GRCh37 (hg19) VCF-style: chrX-25031647-G-GGCCGCGGCGGCCGCGGCCGCGGCT.
Other names: c.441_464dupAGCCGCGGCCGCGGCCGCCGCGGC (NM_139058.2).
Identifiers: ClinVar variation 96455 (VCV000096455.25), dbSNP rs398124510, ClinGen allele CA213322.

ClinVar aggregate classification (germline): Pathogenic. Review status: criteria provided, multiple submitters, no conflicts (2 of 4 stars). 8 submissions from 8 submitters: Pathogenic (7). 1 of the submissions does not count toward it. Last evaluated 2026-01-12.

Conditions:
Intellectual disability, X-linked, with or without seizures, ARX-related. Also called: MENTAL RETARDATION, X-LINKED 29; MENTAL RETARDATION, X-LINKED 32; MENTAL RETARDATION, X-LINKED 33; MENTAL RETARDATION, X-LINKED 38; MENTAL RETARDATION, X-LINKED 43; MENTAL RETARDATION, X-LINKED 76. Identifiers: Orphanet 777, MedGen C0796244, MONDO:0010317, OMIM 300419.
Developmental and epileptic encephalopathy, 1 (DEE1). Also called: INFANTILE SPASM SYNDROME, X-LINKED 1; X-linked infantile spasms; West's syndrome; Tonic spasms with clustering, arrest of psychomotor development and hypsarrhythmia on EEG; X-Linked Infantile Spasm Syndrome; OHTAHARA SYNDROME, X-LINKED. Identifiers: MedGen C3463992, MONDO:0010632, OMIM 308350. Disease mechanism: loss of function.
X-linked lissencephaly with abnormal genitalia. Identifiers: Orphanet 452, MedGen C1846171, MONDO:0010268, OMIM 300215.
Partington syndrome (PRTS). Also called: Mental retardation-dystonic movements-ataxia-seizures syndrome; MENTAL RETARDATION, X-LINKED 36; MENTAL RETARDATION, X-LINKED, SYNDROMIC 1; MENTAL RETARDATION, X-LINKED, WITH DYSTONIC MOVEMENTS, ATAXIA, AND SEIZURES. Identifiers: Orphanet 94083, MedGen C0796250, MONDO:0010654, OMIM 309510.
Corpus callosum agenesis-abnormal genitalia syndrome. Also called: PROUD SYNDROME; ACC WITH ABNORMAL GENITALIA. Identifiers: Orphanet 2508, MedGen C0796124, MONDO:0010224, OMIM 300004.

Submissions (8):

Labcorp Genetics (formerly Invitae), Labcorp
Classification: Pathogenic for Developmental and epileptic encephalopathy, 1; Intellectual disability, X-linked, with or without seizures, ARX-related. Last evaluated: 2026-01-12. Review status: criteria provided, single submitter. Criteria: Invitae Variant Classification Sherloc (09022015). Collection method: clinical testing. Allele origin: germline.
Comment: This variant, c.441_464dup, results in the insertion of 8 amino acid(s) of the ARX protein (p.Ala148_Ala155dup), but otherwise preserves the integrity of the reading frame. The frequency data for this variant in the population databases is considered unreliable, as metrics indicate insufficient coverage at this position in the gnomAD database. This variant has been observed in individual(s) with Partington-like syndrome, West syndrome, and/or infantile spasms (PMID: 12874418, 22922607, 24781210, 26029707). It has also been observed to segregate with disease in related individuals. ClinVar contains an entry for this variant (Variation ID: 96455). Algorithms developed to predict the effect of variants on gene product structure and function are not available or were not evaluated for this variant. Experimental studies are conflicting or provide insufficient evidence to determine the effect of this variant on ARX function (PMID: 23246292). This variant results in expansion of a poly-alanine tract in ARX. Expansions of the alanine tracts in ARX have been observed in individuals with ARX-related conditions (PMID: 11889467, 17664401, 23246292). For these reasons, this variant has been classified as Pathogenic.

Cytogenetics and Genomics Lab, Cyprus Institute Of Neurology and Genetics
Classification: Pathogenic for Partington syndrome. Last evaluated: 2025-07-28. Review status: criteria provided, single submitter. Criteria: ACGS Guidelines, 2024. Collection method: clinical testing. Allele origin: maternal. Affected: yes. Observed: 4 variant alleles.
Comment: The NM_139058.3:c.441_464dup p.(Ala148_Ala155dup) variant is a recurrent in-frame duplication disrupting exon 2 of the Aristaless-related homeobox (ARX) gene (OMIM *300382). This is predicted to result in an expansion of the second ARX polyalanine track by adding eight alanine amino acids. The impact of this variant has been demonstrated in various functional studies supporting partial loss of function of the ARX protein, as well as altered repression activity of the mutant ARX protein affecting the expression of transcriptional targets of ARX (PMID: 17331656, 23246292, 27798109, 29659809) (PS3_strong). Furthermore, the prevalence of this variant in affected individuals is significantly increased compared with the prevalence in controls, as it has been identified in several affected individuals reported both in ClinVar (VCV000096455.23) and in the literature (PMID: 11971879, 11889467, 12376946, 15200506, 15199382, 15850492, 16523516, 16235064, 17082467, 17480217, 17613295, 22642246, 24528893, 26029707) (PS4_strong), while it has an extremely low frequency in controls (0.000002457) according to the Genome Aggregation Database (gnomAD v4.1.0) (PM2_moderate). Finally, this variant segregates with disease in multiple affected family members of this study and in other publications (PMID: 11971879, 11889467, 12376946, 15200506, 15199382, 16523516, 16235064, 17082467, 17613295, 24528893, 26029707) (PP1_supporting). In summary, this variant meets the criteria to be classified as pathogenic for Partington Syndrome based on the Association for Clinical Genomic Science (ACGS) guidelines for variant classification in rare disease 2024 (v1.2) and the criteria applied: PS3_strong, PS4_strong, PM2_moderate and PP1_supporting.

GeneDx
Classification: Pathogenic. Last evaluated: 2022-04-29. Review status: criteria provided, single submitter. Criteria: GeneDx Variant Classification Process June 2021. Collection method: clinical testing. Allele origin: germline. Affected: yes.
Comment: Alanine repeat expansion in the second polyalanine tract of the ARX protein, extending the allele to 20 repeats; Published functional studies demonstrate a damaging effect as expansions in the second polyalanine repeat track are suggested to interfere with ARX-related regulation of KDM5C resulting in the misregulation of numerous downstream processes (Poeta et al., 2013); Not observed in unaffected adult males referred for testing at GeneDx; This variant is associated with the following publications: (PMID: 22922607, 11889467, 24528893, 26029707, 24781210, 23246292, 12874418)

Institute of Medical Genetics and Applied Genomics, University Hospital Tübingen
Classification: Pathogenic. Last evaluated: 2021-06-17. Review status: criteria provided, single submitter. Criteria: ACMG Guidelines, 2015. Collection method: clinical testing. Allele origin: germline. Inheritance: X-linked recessive inheritance. Affected: yes.

Eurofins Ntd Llc (ga)
Classification: Pathogenic. Last evaluated: 2016-09-08. Review status: criteria provided, single submitter. Criteria: EGL Classification Definitions. Collection method: clinical testing. Allele origin: germline. Observed: 4 variant alleles, 1 heterozygote, 3 hemizygotes.
Comment: This variant is the most common pathogenic repeat allele of the second poly-alanine tract (called PA2) within exon 2 of the ARX gene. This repeat allele has been reported with various nomenclatures in multiple individuals with ARX-related diseases including intellectual disability and X-linked infantile spasm syndrome among others.1-4 References: Kato et al. Am J Hum Genet. 2007 Aug;81(2):361-6. Stromme et al. Nat Genet. 2002 Apr;30(4):441-5 Gronskov et al. Eur J Hum Genet. 2004 Sep;12(9):701-5 Marques et al. Mol Genet Genomic Med. 2015 May;3(3):203-14

Genetic Services Laboratory, University of Chicago
Classification: Pathogenic for Lissencephaly, X-linked 2. Last evaluated: 2014-10-02. Review status: criteria provided, single submitter. Criteria: ACMG Guidelines, 2015. Collection method: clinical testing. Allele origin: germline. Affected: yes.

Molecular Genetics Lab, CHRU Brest
Classification: Pathogenic for Partington syndrome; Developmental and epileptic encephalopathy, 1; Intellectual disability, X-linked, with or without seizures, ARX-related; X-linked lissencephaly with abnormal genitalia; Corpus callosum agenesis-abnormal genitalia syndrome. Review status: criteria provided, single submitter. Criteria: ACMG Guidelines, 2015. Collection method: clinical testing. Allele origin: maternal. Affected: yes.

Genomic Diagnostic Laboratory, Division of Genomic Diagnostics, Children's Hospital of Philadelphia
Classification: Pathogenic. Last evaluated: 2015-01-30. Review status: no assertion criteria provided. Collection method: clinical testing. Allele origin: germline. Not counted in ClinVar's aggregate classification.

Literature cited by the submitters: PubMed 12874418 (cited by Labcorp Genetics (formerly Invitae), Labcorp); PubMed 22922607 (cited by Labcorp Genetics (formerly Invitae), Labcorp); PubMed 24781210 (cited by Labcorp Genetics (formerly Invitae), Labcorp); PubMed 26029707 (cited by Labcorp Genetics (formerly Invitae), Labcorp and Cytogenetics and Genomics Lab, Cyprus Institute Of Neurology and Genetics); PubMed 23246292 (cited by Labcorp Genetics (formerly Invitae), Labcorp and Cytogenetics and Genomics Lab, Cyprus Institute Of Neurology and Genetics); PubMed 11889467 (cited by Labcorp Genetics (formerly Invitae), Labcorp and Cytogenetics and Genomics Lab, Cyprus Institute Of Neurology and Genetics); PubMed 17664401 (cited by Labcorp Genetics (formerly Invitae), Labcorp); PubMed 17331656 (cited by Cytogenetics and Genomics Lab, Cyprus Institute Of Neurology and Genetics); PubMed 27798109 (cited by Cytogenetics and Genomics Lab, Cyprus Institute Of Neurology and Genetics); PubMed 29659809 (cited by Cytogenetics and Genomics Lab, Cyprus Institute Of Neurology and Genetics); PubMed 11971879 (cited by Cytogenetics and Genomics Lab, Cyprus Institute Of Neurology and Genetics); PubMed 12376946 (cited by Cytogenetics and Genomics Lab, Cyprus Institute Of Neurology and Genetics); PubMed 15200506 (cited by Cytogenetics and Genomics Lab, Cyprus Institute Of Neurology and Genetics); PubMed 15199382 (cited by Cytogenetics and Genomics Lab, Cyprus Institute Of Neurology and Genetics); PubMed 15850492 (cited by Cytogenetics and Genomics Lab, Cyprus Institute Of Neurology and Genetics); PubMed 16523516 (cited by Cytogenetics and Genomics Lab, Cyprus Institute Of Neurology and Genetics); PubMed 16235064 (cited by Cytogenetics and Genomics Lab, Cyprus Institute Of Neurology and Genetics); PubMed 17082467 (cited by Cytogenetics and Genomics Lab, Cyprus Institute Of Neurology and Genetics); PubMed 17480217 (cited by Cytogenetics and Genomics Lab, Cyprus Institute Of Neurology and Genetics); PubMed 17613295 (cited by Cytogenetics and Genomics Lab, Cyprus Institute Of Neurology and Genetics); PubMed 22642246 (cited by Cytogenetics and Genomics Lab, Cyprus Institute Of Neurology and Genetics); PubMed 24528893 (cited by Cytogenetics and Genomics Lab, Cyprus Institute Of Neurology and Genetics); DOI 110.3390/genes16101224 (cited by Cytogenetics and Genomics Lab, Cyprus Institute Of Neurology and Genetics); PubMed 23757202 (cited by Eurofins Ntd Llc (ga)).